The following is an entry in ClinVar:

ClinVar aggregate classification (germline): Uncertain significance (1 of 4 stars; one submission).

gnomAD v4.1: 3 of 1,613,878 alleles (0.00019%); highest among the groups gnomAD compares: Admixed American, 0.0017%; no homozygotes.

Submission:

Labcorp Genetics (formerly Invitae), Labcorp
Classification: Uncertain significance. Last evaluated: 2025-06-12. Review status: criteria provided, single submitter. Criteria: Invitae Variant Classification Sherloc (09022015). Collection method: clinical testing. Allele origin: germline.
Comment: This sequence change replaces methionine, which is neutral and non-polar, with valine, which is neutral and non-polar, at codon 48 of the CD2AP protein (p.Met48Val). This variant is present in population databases (no rsID available, gnomAD 0.003%). This variant has not been reported in the literature in individuals affected with CD2AP-related conditions. ClinVar contains an entry for this variant (Variation ID: 1924160). Invitae Evidence Modeling of protein sequence and biophysical properties (such as structural, functional, and spatial information, amino acid conservation, physicochemical variation, residue mobility, and thermodynamic stability) indicates that this missense variant is not expected to disrupt CD2AP protein function with a negative predictive value of 80%. In summary, the available evidence is currently insufficient to determine the role of this variant in disease. Therefore, it has been classified as a Variant of Uncertain Significance.

NM_012120.3(CD2AP):c.142A>G (p.Met48Val)

Gene: CD2AP (CD2 associated protein; plus strand). Cytogenetic location: 6p12.3.
Variant type: single nucleotide variant.
Coding change: c.142A>G on transcript NM_012120.3 (MANE Select); coding-DNA position 142, A replaced by G.
Protein change: p.Met48Val; replaces methionine 48 with valine.
Molecular consequence: missense variant.
Genome position (GRCh38, 1-based): chr6:47,503,417, A>G. VCF-style: chr6-47503417-A-G. GRCh37 (hg19) VCF-style: chr6-47471153-A-G.
Other names: short protein forms M48V.
Identifiers: ClinVar variation 1924160 (VCV001924160.5), dbSNP rs770594307, ClinGen allele CA363940458.
Genomic context (GRCh38, chr6:47,503,417, plus strand): 5'-AATGTGAAAAAGCTACAGGAGGAAGGGTGGCTGGAAGGAGAACTAAATGGGAGAAGAGGA[A>G]TGTTCCCTGACAATTTCGTTAAGGTAAGTATTTTCAGTTAAATTTCTAGCTCTTGCTTCA-3'
Protein context (NP_036252.1, residues 38-58): LEGELNGRRG[Met48Val]FPDNFVKEIK